The following is an entry in ClinVar:

NM_001437.3(ESR2):c.1526G>T (p.Gly509Val)

Gene: ESR2 (estrogen receptor 2; minus strand). Cytogenetic location: 14q23.2.
Variant type: single nucleotide variant.
Coding change: c.1526G>T on transcript NM_001437.3 (MANE Select); coding-DNA position 1526, G replaced by T.
Protein change: p.Gly509Val; replaces glycine 509 with valine.
Molecular consequence: missense variant. On other transcripts: non-coding transcript variant (1), intron variant (5).
Genome position (GRCh38, 1-based): chr14:64,233,204, C>A on the plus strand (G>T on the coding strand, the complement: ESR2 is on the minus strand). VCF-style: chr14-64233204-C-A. GRCh37 (hg19) VCF-style: chr14-64699922-C-A.
Other names: c.1253G>T, p.Gly418Val (NM_001271877.1); c.1406+1766G>T (NM_001291712.2, NM_001291723.1, NM_001040275.1 and 2 more transcripts); short protein forms G509V, G418V.
Identifiers: ClinVar variation 2070785 (VCV002070785.4), dbSNP rs138689384, ClinGen allele CA389992926.

ClinVar aggregate classification (germline): Uncertain significance (1 of 4 stars; one submission).

Submission:

Labcorp Genetics (formerly Invitae), Labcorp
Classification: Uncertain significance. Last evaluated: 2025-02-24. Review status: criteria provided, single submitter. Criteria: Invitae Variant Classification Sherloc (09022015). Collection method: clinical testing. Allele origin: germline.
Comment: This sequence change replaces glycine, which is neutral and non-polar, with valine, which is neutral and non-polar, at codon 509 of the ESR2 protein (p.Gly509Val). This variant is not present in population databases (gnomAD no frequency). This variant has not been reported in the literature in individuals affected with ESR2-related conditions. ClinVar contains an entry for this variant (Variation ID: 2070785). An algorithm developed to predict the effect of missense changes on protein structure and function outputs the following: PolyPhen-2: "Benign". The valine amino acid residue is found in multiple mammalian species, which suggests that this missense change does not adversely affect protein function. In summary, the available evidence is currently insufficient to determine the role of this variant in disease. Therefore, it has been classified as a Variant of Uncertain Significance.